The following is an entry in ClinVar:

ClinVar aggregate classification (germline): Uncertain significance. Review status: criteria provided, multiple submitters, no conflicts (2 of 4 stars). 2 submissions from 2 submitters: Uncertain significance (2). Last evaluated 2023-07-31.

Conditions:
Diamond-Blackfan anemia. Also called: Blackfan Diamond syndrome; Aregenerative anemia chronic congenital; Red cell aplasia, pure hereditary; Congenital hypoplastic anemia; Aase syndrome. Identifiers: Orphanet 124, MedGen C1260899, MeSH D029503, MONDO:0015253, HP:0004810.
Diamond-Blackfan anemia 6 (DBA6). Also called: RPL5-Related Diamond-Blackfan Anemia. Identifiers: Orphanet 124, MedGen C2931850, MONDO:0012937, OMIM 612561.

Submissions (2):

Labcorp Genetics (formerly Invitae), Labcorp
Classification: Uncertain significance for Diamond-Blackfan anemia. Last evaluated: 2023-07-31. Review status: criteria provided, single submitter. Criteria: Invitae Variant Classification Sherloc (09022015). Collection method: clinical testing. Allele origin: germline.
Comment: This sequence change replaces serine, which is neutral and polar, with arginine, which is basic and polar, at codon 187 of the RPL5 protein (p.Ser187Arg). This variant is not present in population databases (gnomAD no frequency). This variant has not been reported in the literature in individuals affected with RPL5-related conditions. ClinVar contains an entry for this variant (Variation ID: 1806270). Advanced modeling of protein sequence and biophysical properties (such as structural, functional, and spatial information, amino acid conservation, physicochemical variation, residue mobility, and thermodynamic stability) performed at Invitae indicates that this missense variant is expected to disrupt RPL5 protein function. In summary, the available evidence is currently insufficient to determine the role of this variant in disease. Therefore, it has been classified as a Variant of Uncertain Significance.

Victorian Clinical Genetics Services, Murdoch Childrens Research Institute
Classification: Uncertain significance for Diamond-Blackfan anemia 6. Last evaluated: 2020-05-25. Review status: criteria provided, single submitter. Criteria: ACMG Guidelines, 2015. Collection method: clinical testing. Allele origin: germline. Inheritance: Autosomal dominant inheritance.
Comment: Based on the classification scheme VCGS_Germline_v1.1.1, this variant is classified as 3B-VUS. Following criteria are met: 0102 - Loss-of-function is a known mechanism of disease for this gene. (N) 0107 - This gene is known to be associated with autosomal dominant disease. (N) 0200 - Variant is predicted to result in a missense amino acid change from serine to arginine (exon 6). (N) 0251 - Variant is heterozygous. (N) 0301 - Variant is absent from gnomAD. (P) 0501 - Missense variant consistently predicted to be damaging by multiple in-silico tools or highly conserved with a major amino acid change. (P) 0604 - Variant is not located in an established domain, motif, hotspot or informative constraint region. (N) 0705 - No comparable variants have previous evidence for pathogenicity. (N) 0807 - Variant has not previously been reported in a clinical context. (N) 0905 - No segregation evidence has been identified for this variant. (N) 1007 - No published functional evidence has been identified for this variant. (N) 1208 - Inheritance information for this variant is not currently available. (N) Legend: (P) - Pathogenic, (N) - Neutral, (B) - Benign

NM_000969.5(RPL5):c.559A>C (p.Ser187Arg)

Genes: DIPK1A (divergent protein kinase domain 1A; minus strand), RPL5 (ribosomal protein L5; plus strand). Cytogenetic location: 1p22.1.
Variant type: single nucleotide variant.
Coding change: c.559A>C on transcript NM_000969.5 (MANE Select); coding-DNA position 559, A replaced by C.
Protein change: p.Ser187Arg; replaces serine 187 with arginine.
Molecular consequence: missense variant. On other transcripts: non-coding transcript variant (1), intron variant (1).
Genome position (GRCh38, 1-based): chr1:92,837,487, A>C. VCF-style: chr1-92837487-A-C. GRCh37 (hg19) VCF-style: chr1-93303044-A-C.
Other names: c.475-4453T>G (NM_001252273.2); short protein forms S187R.
Identifiers: ClinVar variation 1806270 (VCV001806270.4), dbSNP rs2524462207, ClinGen allele CA341242824.